The following is an entry in ClinVar:

ClinVar aggregate classification (germline): Uncertain significance (1 of 4 stars; one submission).

Conditions:
Inborn genetic diseases. Identifiers: MedGen C0950123, MeSH D030342.

Submission:

Ambry Genetics
Classification: Uncertain significance for Inborn genetic diseases. Last evaluated: 2023-02-12. Review status: criteria provided, single submitter. Criteria: Ambry Variant Classification Scheme 2023. Collection method: clinical testing. Allele origin: germline.
Comment: The p.L1042F variant (also known as c.3126G>T), located in coding exon 24 of the LRRK2 gene, results from a G to T substitution at nucleotide position 3126. The leucine at codon 1042 is replaced by phenylalanine, an amino acid with highly similar properties. This amino acid position is conserved. In addition, this alteration is predicted to be deleterious by in silico analysis. Since supporting evidence is limited at this time, the clinical significance of this alteration remains unclear.

NM_198578.4(LRRK2):c.3126G>T (p.Leu1042Phe)

Gene: LRRK2 (leucine rich repeat kinase 2; plus strand). Cytogenetic location: 12q12.
Variant type: single nucleotide variant.
Coding change: c.3126G>T on transcript NM_198578.4 (MANE Select); coding-DNA position 3126, G replaced by T.
Protein change: p.Leu1042Phe; replaces leucine 1042 with phenylalanine.
Molecular consequence: missense variant.
Genome position (GRCh38, 1-based): chr12:40,298,272, G>T. VCF-style: chr12-40298272-G-T. GRCh37 (hg19) VCF-style: chr12-40692074-G-T.
Other names: short protein forms L1042F.
Identifiers: ClinVar variation 2453111 (VCV002453111.2), dbSNP rs750206201, ClinGen allele CA384414105.